The following is an entry in ClinVar:

ClinVar aggregate classification (germline): Conflicting classifications of pathogenicity. Review status: criteria provided, conflicting classifications (1 of 4 stars). 2 submissions from 2 submitters: Uncertain significance (1); Likely benign (1). Last evaluated 2023-02-22.

Conditions:
Genitopatellar syndrome (GTPTS). Also called: Genitopatellar syndrome (GPS); ABSENT PATELLAE, SCROTAL HYPOPLASIA, RENAL ANOMALIES, FACIAL DYSMORPHISM, AND MENTAL RETARDATION. Identifiers: Orphanet 85201, MedGen C1853566, MONDO:0011640, OMIM 606170.

Allele frequency attached by ClinVar (database versions not stated): gnomAD 0.00001; TOPMed 0.00002.
gnomAD v4.1: 30 of 1,614,018 alleles (0.0019%); highest among the groups gnomAD compares: Admixed American, 0.027%; no homozygotes.

Submissions (2):

Labcorp Genetics (formerly Invitae), Labcorp
Classification: Uncertain significance for Genitopatellar syndrome. Last evaluated: 2023-02-22. Review status: criteria provided, single submitter. Criteria: Invitae Variant Classification Sherloc (09022015). Collection method: clinical testing. Allele origin: germline.
Comment: In summary, the available evidence is currently insufficient to determine the role of this variant in disease. Therefore, it has been classified as a Variant of Uncertain Significance. An algorithm developed to predict the effect of missense changes on protein structure and function (PolyPhen-2) suggests that this variant is likely to be disruptive. ClinVar contains an entry for this variant (Variation ID: 1191186). This variant has not been reported in the literature in individuals affected with KAT6B-related conditions. This variant is present in population databases (rs201792033, gnomAD 0.04%), and has an allele count higher than expected for a pathogenic variant. This sequence change replaces glutamic acid, which is acidic and polar, with lysine, which is basic and polar, at codon 1796 of the KAT6B protein (p.Glu1796Lys).

GeneDx
Classification: Likely benign. Last evaluated: 2021-04-23. Review status: criteria provided, single submitter. Criteria: GeneDx Variant Classification Process June 2021. Collection method: clinical testing. Allele origin: germline. Affected: yes.
Comment: This variant is associated with the following publications: (PMID: 22077973)

NM_012330.4(KAT6B):c.5386G>A (p.Glu1796Lys)

Gene: KAT6B (lysine acetyltransferase 6B; plus strand). Cytogenetic location: 10q22.2.
Variant type: single nucleotide variant.
Coding change: c.5386G>A on transcript NM_012330.4 (MANE Select); coding-DNA position 5386, G replaced by A.
Protein change: p.Glu1796Lys; replaces glutamic acid 1796 with lysine.
Molecular consequence: missense variant.
Genome position (GRCh38, 1-based): chr10:75,030,210, G>A. VCF-style: chr10-75030210-G-A. GRCh37 (hg19) VCF-style: chr10-76789968-G-A.
Other names: c.4837G>A, p.Glu1613Lys (NM_001256468.2, NM_001370138.1); c.4510G>A, p.Glu1504Lys (NM_001256469.2, NM_001370139.1, NM_001370140.1 and 2 more transcripts); c.4348G>A, p.Glu1450Lys (NM_001370132.1); c.3697G>A, p.Glu1233Lys (NM_001370133.1); c.3301G>A, p.Glu1101Lys (NM_001370134.1); c.3043G>A, p.Glu1015Lys (NM_001370135.1); c.5386G>A, p.Glu1796Lys (NM_001370136.1, NM_001370137.1); c.4321G>A, p.Glu1441Lys (NM_001370143.1, NM_001370144.1); short protein forms E1015K, E1101K, E1233K, E1441K, E1450K, E1504K, E1613K, E1796K.
Identifiers: ClinVar variation 1191186 (VCV001191186.7), dbSNP rs201792033, ClinGen allele CA5565191.